The following is an entry in ClinVar:

NM_004589.4(SCO1):c.745C>T (p.Pro249Ser)

Gene: SCO1 (synthesis of cytochrome C oxidase 1; minus strand). Cytogenetic location: 17p13.1.
Variant type: single nucleotide variant.
Coding change: c.745C>T on transcript NM_004589.4 (MANE Select); coding-DNA position 745, C replaced by T.
Protein change: p.Pro249Ser; replaces proline 249 with serine.
Molecular consequence: missense variant.
Genome position (GRCh38, 1-based): chr17:10,686,753, G>A on the plus strand (C>T on the coding strand, the complement: SCO1 is on the minus strand). VCF-style: chr17-10686753-G-A. GRCh37 (hg19) VCF-style: chr17-10590070-G-A.
Other names: short protein forms P249S.
Identifiers: ClinVar variation 1710593 (VCV001710593.2), dbSNP rs1193839194, ClinGen allele CA398128608.

ClinVar aggregate classification (germline): Uncertain significance (1 of 4 stars; one submission).

Allele frequency attached by ClinVar (database versions not stated): TOPMed 0.00002.
gnomAD v4.1: 2 of 1,612,652 alleles (0.00012%); highest among the groups gnomAD compares: Non-Finnish European, 0.00017%; no homozygotes.

Submission:

GeneDx
Classification: Uncertain significance. Last evaluated: 2022-04-11. Review status: criteria provided, single submitter. Criteria: GeneDx Variant Classification Process June 2021. Collection method: clinical testing. Allele origin: germline. Affected: yes.
Comment: Not observed at significant frequency in large population cohorts (gnomAD); In silico analysis supports that this missense variant has a deleterious effect on protein structure/function; Has not been previously published as pathogenic or benign to our knowledge